The following is an entry in ClinVar:

NM_032607.3(CREB3L3):c.865G>C (p.Val289Leu)

Gene: CREB3L3 (cAMP responsive element binding protein 3 like 3; plus strand). Cytogenetic location: 19p13.3.
Variant type: single nucleotide variant.
Coding change: c.865G>C on transcript NM_032607.3 (MANE Select); coding-DNA position 865, G replaced by C.
Protein change: p.Val289Leu; replaces valine 289 with leucine.
Molecular consequence: missense variant.
Genome position (GRCh38, 1-based): chr19:4,170,183, G>C. VCF-style: chr19-4170183-G-C. GRCh37 (hg19) VCF-style: chr19-4170180-G-C.
Other names: c.862G>C, p.Val288Leu (NM_001271995.2); c.859G>C, p.Val287Leu (NM_001271996.2); c.758G>C, p.Ser253Thr (NM_001271997.2); short protein forms V289L, S253T, V287L, V288L.
Identifiers: ClinVar variation 3680420 (VCV003680420.2).
Genomic context (GRCh38, chr19:4,170,183, plus strand): 5'-CGTCTTCCTCCTTTCAGGATGTCAGCTTGCACTGCTCAGAATCAGGAGTTACAGAGGAAA[G>C]TCTTGCATCTCGAGAAGCAAAACCTGTGAGTCTGGGTCCAGCTGGGGCAGAGGACAGGGG-3'
Protein context (NP_115996.1, residues 279-299): TAQNQELQRK[Val289Leu]LHLEKQNLSL

ClinVar aggregate classification (germline): Uncertain significance (1 of 4 stars; one submission).

Submission:

Labcorp Genetics (formerly Invitae), Labcorp
Classification: Uncertain significance. Last evaluated: 2025-05-21. Review status: criteria provided, single submitter. Criteria: Invitae Variant Classification Sherloc (09022015). Collection method: clinical testing. Allele origin: germline.
Comment: This sequence change replaces valine, which is neutral and non-polar, with leucine, which is neutral and non-polar, at codon 289 of the CREB3L3 protein (p.Val289Leu). This variant is not present in population databases (gnomAD no frequency). This variant has not been reported in the literature in individuals affected with CREB3L3-related conditions. ClinVar contains an entry for this variant (Variation ID: 3680420). Invitae Evidence Modeling of protein sequence and biophysical properties (such as structural, functional, and spatial information, amino acid conservation, physicochemical variation, residue mobility, and thermodynamic stability) indicates that this missense variant is not expected to disrupt CREB3L3 protein function with a negative predictive value of 80%. In summary, the available evidence is currently insufficient to determine the role of this variant in disease. Therefore, it has been classified as a Variant of Uncertain Significance.